The following is an entry in ClinVar:

NM_006904.7(PRKDC):c.11881T>C (p.Phe3961Leu)

Gene: PRKDC (protein kinase, DNA-activated, catalytic subunit; minus strand). Cytogenetic location: 8q11.21.
Variant type: single nucleotide variant.
Coding change: c.11881T>C on transcript NM_006904.7 (MANE Select); coding-DNA position 11881, T replaced by C.
Protein change: p.Phe3961Leu; replaces phenylalanine 3961 with leucine.
Molecular consequence: missense variant.
Genome position (GRCh38, 1-based): chr8:47,777,847, A>G on the plus strand (T>C on the coding strand, the complement: PRKDC is on the minus strand). VCF-style: chr8-47777847-A-G. GRCh37 (hg19) VCF-style: chr8-48690408-A-G.
Other names: c.11788T>C, p.Phe3930Leu (NM_001081640.2); short protein forms F3961L, F3930L.
Identifiers: ClinVar variation 1415884 (VCV001415884.6), dbSNP rs2154497305, ClinGen allele CA371128347.

ClinVar aggregate classification (germline): Uncertain significance (1 of 4 stars; one submission).

Conditions:
Severe combined immunodeficiency due to DNA-PKcs deficiency. Also called: Immunodeficiency 26 with or without neurologic abnormalities; IMMUNODEFICIENCY 26 WITH NEUROLOGIC ABNORMALITIES. Identifiers: Orphanet 317425, MedGen C4014833, MONDO:0014423, OMIM 615966.

Submission:

Labcorp Genetics (formerly Invitae), Labcorp
Classification: Uncertain significance for Severe combined immunodeficiency due to DNA-PKcs deficiency. Last evaluated: 2022-11-01. Review status: criteria provided, single submitter. Criteria: Invitae Variant Classification Sherloc (09022015). Collection method: clinical testing. Allele origin: germline.
Comment: ClinVar contains an entry for this variant (Variation ID: 1415884). This sequence change replaces phenylalanine, which is neutral and non-polar, with leucine, which is neutral and non-polar, at codon 3961 of the PRKDC protein (p.Phe3961Leu). This variant is not present in population databases (gnomAD no frequency). This variant has not been reported in the literature in individuals affected with PRKDC-related conditions. Advanced modeling of protein sequence and biophysical properties (such as structural, functional, and spatial information, amino acid conservation, physicochemical variation, residue mobility, and thermodynamic stability) performed at Invitae indicates that this missense variant is expected to disrupt PRKDC protein function. In summary, the available evidence is currently insufficient to determine the role of this variant in disease. Therefore, it has been classified as a Variant of Uncertain Significance.